The following is an entry in ClinVar:

ClinVar aggregate classification (germline): Likely benign (1 of 4 stars; one submission).

Allele frequency attached by ClinVar (database versions not stated): 1000 Genomes Project 0.00140; 1000 Genomes Project 30x 0.00141; ESP Exome Variant Server 0.00216; ExAC 0.00376; gnomAD 0.00379.
gnomAD v4.1: 7,686 of 1,613,964 alleles (0.48%); highest among the groups gnomAD compares: Non-Finnish European, 0.52%; 22 homozygotes.

Submission:

CeGaT Center for Human Genetics Tuebingen
Classification: Likely benign. Last evaluated: 2023-03-01. Review status: criteria provided, single submitter. Criteria: CeGaT Center For Human Genetics Tuebingen Variant Classification Criteria Version 2. Collection method: clinical testing. Allele origin: germline. Affected: yes. Observed: 1 variant allele.
Comment: INSC: BP4, BS2

NM_001042536.3(INSC):c.1106T>G (p.Ile369Ser)

Gene: INSC (INSC spindle orientation adaptor protein; plus strand). Cytogenetic location: 11p15.2.
Variant type: single nucleotide variant.
Coding change: c.1106T>G on transcript NM_001042536.3 (MANE Select); coding-DNA position 1106, T replaced by G.
Protein change: p.Ile369Ser; replaces isoleucine 369 with serine.
Molecular consequence: missense variant.
Genome position (GRCh38, 1-based): chr11:15,225,764, T>G. VCF-style: chr11-15225764-T-G. GRCh37 (hg19) VCF-style: chr11-15247310-T-G.
Other names: c.1247T>G, p.Ile416Ser (NM_001031853.5); c.1106T>G, p.Ile369Ser (NM_001278313.2, NM_001278315.2); c.1211T>G, p.Ile404Ser (NM_001278314.2); c.980T>G, p.Ile327Ser (NM_001278316.2); short protein forms I327S, I369S, I404S, I416S.
Identifiers: ClinVar variation 2641627 (VCV002641627.24), dbSNP rs61748860, ClinGen allele CA5897697.